The following is an entry in ClinVar:

ClinVar aggregate classification (germline): Uncertain significance (1 of 4 stars; one submission).

Conditions:
Basal ganglia calcification, idiopathic, 4 (PFBC4). Also called: Familial Idiopathic Basal Ganglia Calcification 4; PRIMARY FAMILIAL BRAIN CALCIFICATION 4, AUTOSOMAL DOMINANT. Identifiers: Orphanet 1980, MedGen C3554321, MONDO:0014004, OMIM 615007.
Acroosteolysis-keloid-like lesions-premature aging syndrome. Also called: Premature aging syndrome, Penttinen type; Prematurely aged appearance, delayed bone maturation, acro-osteolysis, and brachydactyly; Progeroid syndrome, Penttinen type. Identifiers: Orphanet 363665, MedGen C1866182, MONDO:0011150, OMIM 601812.
Infantile myofibromatosis (IMF). Also called: Congenital generalized fibromatosis. Identifiers: Orphanet 2591, MedGen C0432284, MONDO:0016824.
Skeletal overgrowth-craniofacial dysmorphism-hyperelastic skin-white matter lesions syndrome. Also called: SKELETAL OVERGROWTH WITH FACIAL DYSMORPHISM, HYPERELASTIC SKIN, WHITE MATTER LESIONS, AND NEUROLOGIC DETERIORATION; Kosaki overgrowth syndrome. Identifiers: Orphanet 477831, MedGen C4225270, MONDO:0014704, OMIM 616592.

Allele frequency attached by ClinVar (database versions not stated): gnomAD exomes 0.00001; ExAC 0.00001; gnomAD 0.00001.
gnomAD v4.1: 11 of 1,613,592 alleles (0.00068%); highest among the groups gnomAD compares: Admixed American, 0.005%; no homozygotes.

Submission:

Labcorp Genetics (formerly Invitae), Labcorp
Classification: Uncertain significance for Basal ganglia calcification, idiopathic, 4; Skeletal overgrowth-craniofacial dysmorphism-hyperelastic skin-white matter lesions syndrome; Infantile myofibromatosis; Acroosteolysis-keloid-like lesions-premature aging syndrome. Last evaluated: 2024-04-11. Review status: criteria provided, single submitter. Criteria: Invitae Variant Classification Sherloc (09022015). Collection method: clinical testing. Allele origin: germline.
Comment: This sequence change replaces isoleucine, which is neutral and non-polar, with threonine, which is neutral and polar, at codon 985 of the PDGFRB protein (p.Ile985Thr). This variant is present in population databases (rs753367645, gnomAD 0.002%). This variant has not been reported in the literature in individuals affected with PDGFRB-related conditions. ClinVar contains an entry for this variant (Variation ID: 1505515). Advanced modeling of protein sequence and biophysical properties (such as structural, functional, and spatial information, amino acid conservation, physicochemical variation, residue mobility, and thermodynamic stability) performed at Invitae indicates that this missense variant is not expected to disrupt PDGFRB protein function with a negative predictive value of 80%. In summary, the available evidence is currently insufficient to determine the role of this variant in disease. Therefore, it has been classified as a Variant of Uncertain Significance.

NM_002609.4(PDGFRB):c.2954T>C (p.Ile985Thr)

Gene: PDGFRB (platelet derived growth factor receptor beta; minus strand). Cytogenetic location: 5q32.
Variant type: single nucleotide variant.
Coding change: c.2954T>C on transcript NM_002609.4 (MANE Select); coding-DNA position 2954, T replaced by C.
Protein change: p.Ile985Thr; replaces isoleucine 985 with threonine.
Molecular consequence: missense variant.
Genome position (GRCh38, 1-based): chr5:150,117,801, A>G on the plus strand (T>C on the coding strand, the complement: PDGFRB is on the minus strand). VCF-style: chr5-150117801-A-G. GRCh37 (hg19) VCF-style: chr5-149497364-A-G.
Other names: c.2762T>C, p.Ile921Thr (NM_001355016.2); c.2471T>C, p.Ile824Thr (NM_001355017.2); short protein forms I824T, I921T, I985T.
Identifiers: ClinVar variation 1505515 (VCV001505515.8), dbSNP rs753367645, ClinGen allele CA3507468.